The following is an entry in ClinVar:

NM_014363.6(SACS):c.6149C>G (p.Thr2050Arg)

Gene: SACS (sacsin molecular chaperone; minus strand). Cytogenetic location: 13q12.12.
Variant type: single nucleotide variant.
Coding change: c.6149C>G on transcript NM_014363.6 (MANE Select); coding-DNA position 6149, C replaced by G.
Protein change: p.Thr2050Arg; replaces threonine 2050 with arginine.
Molecular consequence: missense variant.
Genome position (GRCh38, 1-based): chr13:23,337,727, G>C on the plus strand (C>G on the coding strand, the complement: SACS is on the minus strand). VCF-style: chr13-23337727-G-C. GRCh37 (hg19) VCF-style: chr13-23911866-G-C.
Other names: c.5708C>G, p.Thr1903Arg (NM_001278055.2); short protein forms T1903R, T2050R.
Identifiers: ClinVar variation 1806971 (VCV001806971.3), dbSNP rs747509451, ClinGen allele CA6911127.

ClinVar aggregate classification (germline): Uncertain significance. Review status: criteria provided, multiple submitters, no conflicts (2 of 4 stars). 3 submissions from 3 submitters: Uncertain significance (3). Last evaluated 2024-12-02.

Conditions:
Inborn genetic diseases. Identifiers: MedGen C0950123, MeSH D030342.

Allele frequency attached by ClinVar (database versions not stated): TOPMed below 0.00001; ExAC 0.00001; gnomAD exomes 0.00001.

Submissions (3):

Ambry Genetics
Classification: Uncertain significance for Inborn genetic diseases. Last evaluated: 2024-12-02. Review status: criteria provided, single submitter. Criteria: Ambry Variant Classification Scheme 2023. Collection method: clinical testing. Allele origin: germline.

GeneDx
Classification: Uncertain significance. Last evaluated: 2024-02-07. Review status: criteria provided, single submitter. Criteria: GeneDx Variant Classification Process June 2021. Collection method: clinical testing. Allele origin: germline. Affected: yes.
Comment: Not observed at significant frequency in large population cohorts (gnomAD); In silico analysis supports that this missense variant has a deleterious effect on protein structure/function; Has not been previously published as pathogenic or benign to our knowledge

Athena Diagnostics
Classification: Uncertain significance. Last evaluated: 2021-11-24. Review status: criteria provided, single submitter. Criteria: Athena Diagnostics Criteria. Collection method: clinical testing. Allele origin: unknown.